The following is an entry in ClinVar:

ClinVar aggregate classification (germline): Conflicting classifications of pathogenicity. Review status: criteria provided, conflicting classifications (1 of 4 stars). 5 submissions from 5 submitters: Uncertain significance (1); Benign (1); Likely benign (3). Last evaluated 2025-07-06.

Conditions:
RASopathy. Also called: Noonan spectrum disorder; rasopathies. Identifiers: Orphanet 536391, MedGen C5555857, MONDO:0021060.

Allele frequency attached by ClinVar (database versions not stated): gnomAD 0.00002 and 0.00003; TOPMed 0.00002; gnomAD exomes 0.00005 and 0.00011; ExAC 0.00018.
gnomAD v4.1: 75 of 1,533,374 alleles (0.0049%); highest among the groups gnomAD compares: South Asian, 0.045%; 1 homozygote.

Submissions (5):

Labcorp Genetics (formerly Invitae), Labcorp
Classification: Likely benign for RASopathy. Last evaluated: 2025-07-06. Review status: criteria provided, single submitter. Criteria: Invitae Variant Classification Sherloc (09022015). Collection method: clinical testing. Allele origin: germline.

Blueprint Genetics
Classification: Likely benign. Last evaluated: 2024-11-08. Review status: criteria provided, single submitter. Criteria: ACMG Guidelines, 2015. Collection method: clinical testing. Allele origin: germline.

GeneDx
Classification: Likely benign. Last evaluated: 2020-11-24. Review status: criteria provided, single submitter. Criteria: GeneDx Variant Classification Process June 2021. Collection method: clinical testing. Allele origin: germline. Affected: yes.

Women's Health and Genetics/Laboratory Corporation of America, LabCorp
Classification: Benign. Last evaluated: 2019-11-11. Review status: criteria provided, single submitter. Criteria: LabCorp Variant Classification Summary - May 2015. Collection method: clinical testing. Allele origin: germline.
Comment: Variant summary: BRAF c.138+17C>G alters a non-conserved nucleotide located close to a canonical splice site and therefore could affect mRNA splicing, leading to a significantly altered protein sequence. 5/5 computational tools predict no significant impact on normal splicing. However, these predictions have yet to be confirmed by functional studies. The variant allele was found at a frequency of 0.00011 in 130730 control chromosomes, predominantly at a frequency of 0.00053 within the South Asian subpopulation in the gnomAD database. The observed variant frequency within South Asian control individuals in the gnomAD database is approximately 200 fold of the estimated maximal expected allele frequency for a pathogenic variant in BRAF causing Noonan Syndrome and Related Conditions phenotype (2.5e-06), strongly suggesting that the variant is a benign polymorphism found primarily in populations of South Asian origin. To our knowledge, no occurrence of c.138+17C>G in individuals affected with Noonan Syndrome and Related Conditions and no experimental evidence demonstrating its impact on protein function have been reported. No clinical diagnostic laboratories have submitted clinical-significance assessments for this variant to ClinVar after 2014. Based on the evidence outlined above, the variant was classified as benign.

Eurofins Ntd Llc (ga)
Classification: Uncertain significance. Last evaluated: 2014-09-04. Review status: criteria provided, single submitter. Criteria: EGL Classification Definitions 2015. Collection method: clinical testing. Allele origin: germline. Observed: 1 variant allele, 1 heterozygote.

NM_004333.6(BRAF):c.138+17C>G

Gene: BRAF (B-Raf proto-oncogene, serine/threonine kinase; minus strand). Cytogenetic location: 7q34.
Variant type: single nucleotide variant.
Coding change: c.138+17C>G on transcript NM_004333.6 (MANE Select); 17 bases into the intron after coding-DNA position 138, C replaced by G.
Molecular consequence: intron variant.
Genome position (GRCh38, 1-based): chr7:140,924,549, G>C on the plus strand (C>G on the coding strand, the complement: BRAF is on the minus strand). VCF-style: chr7-140924549-G-C. GRCh37 (hg19) VCF-style: chr7-140624349-G-C.
Other names: c.138+17C>G (NM_001378474.1, NM_001378470.1, NM_001378475.1 and 7 more transcripts).
Identifiers: ClinVar variation 193281 (VCV000193281.17), dbSNP rs756400234, ClinGen allele CA238793.